The following is an entry in ClinVar:

ClinVar aggregate classification (germline): Uncertain significance (1 of 4 stars; one submission).

Submission:

Women's Health and Genetics/Laboratory Corporation of America, LabCorp
Classification: Uncertain significance. Last evaluated: 2021-04-27. Review status: criteria provided, single submitter. Criteria: LabCorp Variant Classification Summary - May 2015. Collection method: clinical testing. Allele origin: germline.
Comment: Variant summary: The variant identified by MLPA or other technology involves the duplication of exons 1-3 in the BRCA1 gene. Since the exact breakpoints of this duplication are not known, a presumed nomenclature of c.(?_-233)_(134+1_135-1)dup has been designated for the purposes of this classification. It has been assumed that this is a tandem duplication in direct orientation (Richardson_GIM_2018, Newman_AJHG_2015). The variant was absent in 21694 control chromosomes (gnomAD, Structural Variants dataset v2.1). The available data on variant occurrences in the general population are insufficient to allow any conclusion about variant significance. To our knowledge, no occurrence of c.(?_-233)_(134+1_135-1)dup in individuals affected with Hereditary Breast And Ovarian Cancer Syndrome and no experimental evidence demonstrating its impact on protein function have been reported. One clinical diagnostic laboratory has submitted clinical-significance assessments for this variant to ClinVar after 2014 without evidence for independent evaluation. One laboratory classified the variant as uncertain significance. Based on the evidence outlined above, the variant was classified as uncertain significance.

NC_000017.10:g.(41258551_41267742)_(41277501_?)dup

Gene: BRCA1 (BRCA1 DNA repair associated; minus strand). Cytogenetic location: 17q21.31.
Variant type: Duplication.
Identifiers: ClinVar variation 1098756 (VCV001098756.1).